The following is an entry in ClinVar:

NM_004444.5(EPHB4):c.494G>A (p.Arg165His)

Gene: EPHB4 (EPH receptor B4; minus strand). Cytogenetic location: 7q22.1.
Variant type: single nucleotide variant.
Coding change: c.494G>A on transcript NM_004444.5 (MANE Select); coding-DNA position 494, G replaced by A.
Protein change: p.Arg165His; replaces arginine 165 with histidine.
Molecular consequence: missense variant.
Genome position (GRCh38, 1-based): chr7:100,822,585, C>T on the plus strand (G>A on the coding strand, the complement: EPHB4 is on the minus strand). VCF-style: chr7-100822585-C-T. GRCh37 (hg19) VCF-style: chr7-100420207-C-T.
Other names: short protein forms R165H.
Identifiers: ClinVar variation 4249976 (VCV004249976.2).

ClinVar aggregate classification (germline): Conflicting classifications of pathogenicity. Review status: criteria provided, conflicting classifications (1 of 4 stars). 2 submissions from 2 submitters: Uncertain significance (1); Likely benign (1). Last evaluated 2026-01-01.

Conditions:
Cardiovascular phenotype. Identifiers: MedGen CN230736.

gnomAD v4.1: 66 of 1,612,154 alleles (0.0041%); highest among the groups gnomAD compares: Non-Finnish European, 0.0049%; no homozygotes.

Submissions (2):

Labcorp Genetics (formerly Invitae), Labcorp
Classification: Uncertain significance. Last evaluated: 2026-01-01. Review status: criteria provided, single submitter. Criteria: Invitae Variant Classification Sherloc (09022015). Collection method: clinical testing. Allele origin: germline.
Comment: This sequence change replaces arginine, which is basic and polar, with histidine, which is basic and polar, at codon 165 of the EPHB4 protein (p.Arg165His). This variant is present in population databases (rs758697441, gnomAD 0.004%). This variant has not been reported in the literature in individuals affected with EPHB4-related conditions. ClinVar contains an entry for this variant (Variation ID: 4249976). Invitae Evidence Modeling of protein sequence and biophysical properties (such as structural, functional, and spatial information, amino acid conservation, physicochemical variation, residue mobility, and thermodynamic stability) indicates that this missense variant is not expected to disrupt EPHB4 protein function with a negative predictive value of 95%. In summary, the available evidence is currently insufficient to determine the role of this variant in disease. Therefore, it has been classified as a Variant of Uncertain Significance.

Ambry Genetics
Classification: Likely benign for Cardiovascular phenotype. Last evaluated: 2025-07-04. Review status: criteria provided, single submitter. Criteria: Ambry Variant Classification Scheme 2023. Collection method: clinical testing. Allele origin: germline.